The following is an entry in ClinVar:

ClinVar aggregate classification (germline): Uncertain significance (1 of 4 stars; one submission).

Conditions:
Hereditary breast ovarian cancer syndrome. Also called: Hereditary breast and ovarian cancer; Hereditary breast and ovarian cancer syndrome; Hereditary breast and/or ovarian cancer syndrome; Hereditary breast and ovarian cancer syndrome (HBOC); Breast and ovarian cancer; BRCA1- and BRCA2-Associated Hereditary Breast and Ovarian Cancer. Identifiers: Orphanet 145, MedGen C0677776, MeSH D061325, MONDO:0003582. Disease mechanism: loss of function.

Allele frequency attached by ClinVar (database versions not stated): gnomAD exomes below 0.00001.
gnomAD v4.1: 1 of 1,613,866 alleles (0.000062%); highest among the groups gnomAD compares: East Asian, 0.0022%; no homozygotes.

Submission:

Labcorp Genetics (formerly Invitae), Labcorp
Classification: Uncertain significance for Hereditary breast ovarian cancer syndrome. Last evaluated: 2021-04-02. Review status: criteria provided, single submitter. Criteria: Invitae Variant Classification Sherloc (09022015). Collection method: clinical testing. Allele origin: germline.
Comment: This variant has not been reported in the literature in individuals with BRCA1-related conditions. This variant is not present in population databases (ExAC no frequency). This sequence change replaces threonine with serine at codon 161 of the BRCA1 protein (p.Thr161Ser). The threonine residue is weakly conserved and there is a small physicochemical difference between threonine and serine. Algorithms developed to predict the effect of sequence changes on RNA splicing suggest that this variant may create or strengthen a splice site, but this prediction has not been confirmed by published transcriptional studies. In summary, the available evidence is currently insufficient to determine the role of this variant in disease. Therefore, it has been classified as a Variant of Uncertain Significance. Advanced modeling of protein sequence and biophysical properties (such as structural, functional, and spatial information, amino acid conservation, physicochemical variation, residue mobility, and thermodynamic stability) performed at Invitae indicates that this missense variant is not expected to disrupt BRCA1 protein function.

NM_007294.4(BRCA1):c.482C>G (p.Thr161Ser)

Gene: BRCA1 (BRCA1 DNA repair associated; minus strand). Cytogenetic location: 17q21.31.
Variant type: single nucleotide variant.
Coding change: c.482C>G on transcript NM_007294.4 (MANE Select); coding-DNA position 482, C replaced by G.
Protein change: p.Thr161Ser; replaces threonine 161 with serine.
Molecular consequence: missense variant. On other transcripts: non-coding transcript variant (1).
Genome position (GRCh38, 1-based): chr17:43,099,840, G>C on the plus strand (C>G on the coding strand, the complement: BRCA1 is on the minus strand). VCF-style: chr17-43099840-G-C. GRCh37 (hg19) VCF-style: chr17-41251857-G-C.
Other names: c.269C>G, p.Thr90Ser (NM_001407571.1, NM_001407853.1, NM_001407894.1 and 18 more transcripts); c.482C>G, p.Thr161Ser (NM_001407581.1, NM_001407582.1, NM_001407583.1 and 97 more transcripts); c.479C>G, p.Thr160Ser (NM_001407587.1, NM_001407590.1, NM_001407591.1 and 65 more transcripts); c.473C>G, p.Thr158Ser (NM_001407646.1, NM_001407647.1, NM_001408408.1); c.404C>G, p.Thr135Ser (NM_001407653.1, NM_001407654.1, NM_001407655.1 and 12 more transcripts); c.401C>G, p.Thr134Ser (NM_001407659.1, NM_001407660.1, NM_001407661.1 and 6 more transcripts); c.341C>G, p.Thr114Ser (NM_001407692.1, NM_001407694.1, NM_001407695.1 and 61 more transcripts); c.338C>G, p.Thr113Ser (NM_001407740.1, NM_001407741.1, NM_001407742.1 and 35 more transcripts); and 4 more; short protein forms T161S, T114S, T113S, T134S, T158S, T135S, T34S, T90S.
Identifiers: ClinVar variation 1493878 (VCV001493878.9), dbSNP rs876660138, ClinGen allele CA10601174.